The following is an entry in ClinVar:

ClinVar aggregate classification (germline): Likely benign. Review status: criteria provided, multiple submitters, no conflicts (2 of 4 stars). 2 submissions from 2 submitters: Likely benign (2). Last evaluated 2026-03-24.

Conditions:
KCNQ4-related disorder. Also called: KCNQ4-related condition.

gnomAD v4.1: 17 of 1,599,360 alleles (0.0011%); highest among the groups gnomAD compares: Non-Finnish European, 0.0014%; no homozygotes.

Submissions (2):

PreventionGenetics, part of Exact Sciences
Classification: Likely benign for KCNQ4-related condition. Last evaluated: 2026-03-24. Review status: criteria provided, single submitter. Criteria: ACMG Guidelines, 2015. Collection method: clinical testing. Allele origin: germline.
Comment: This variant is classified as likely benign based on ACMG/AMP sequence variant interpretation guidelines (Richards et al. 2015 PMID: 25741868, with internal and published modifications).

Labcorp Genetics (formerly Invitae), Labcorp
Classification: Likely benign. Last evaluated: 2024-07-27. Review status: criteria provided, single submitter. Criteria: Invitae Variant Classification Sherloc (09022015). Collection method: clinical testing. Allele origin: germline.

NM_004700.4(KCNQ4):c.705C>T (p.Ser235=)

Gene: KCNQ4 (potassium voltage-gated channel subfamily Q member 4; plus strand). Cytogenetic location: 1p34.2.
Variant type: single nucleotide variant.
Coding change: c.705C>T on transcript NM_004700.4 (MANE Select); coding-DNA position 705, C replaced by T.
Protein change: p.Ser235=; no amino-acid change (serine 235 retained).
Molecular consequence: synonymous variant.
Genome position (GRCh38, 1-based): chr1:40,818,677, C>T. VCF-style: chr1-40818677-C-T. GRCh37 (hg19) VCF-style: chr1-41284349-C-T.
Other names: c.705C>T, p.Ser235= (NM_172163.3); c.705C>T (NM_004700.3).
Identifiers: ClinVar variation 3710158 (VCV003710158.3).
Genomic context (GRCh38, chr1:40,818,677, plus strand): 5'-GCGCATGGACCGCCGCGGCGGCACCTGGAAGCTGCTGGGCTCAGTGGTCTACGCGCATAG[C>T]AAGGTGAGGCCTGCAAGCCGCGCGCGGAGACCCGAGGGCGTGTCTGGGGCACGACCAGAG-3'
Protein context (NP_004691.2, residues 225-245): KLLGSVVYAH[Ser235=]KELITAWYIG